The following is an entry in ClinVar:

ClinVar aggregate classification (germline): Likely benign (1 of 4 stars; one submission).

Submission:

CeGaT Center for Human Genetics Tuebingen
Classification: Likely benign. Last evaluated: 2026-04-01. Review status: criteria provided, single submitter. Criteria: CeGaT Center For Human Genetics Tuebingen Variant Classification Criteria Version 2. Collection method: clinical testing. Allele origin: germline. Affected: yes. Observed: 1 variant allele.
Comment: POU3F2: BP4, BP7

NM_005604.4(POU3F2):c.216G>T (p.Gly72=)

Gene: POU3F2 (POU class 3 homeobox 2; plus strand). Cytogenetic location: 6q16.1.
Variant type: single nucleotide variant.
Coding change: c.216G>T on transcript NM_005604.4 (MANE Select); coding-DNA position 216, G replaced by T.
Protein change: p.Gly72=; no amino-acid change (glycine 72 retained).
Molecular consequence: synonymous variant.
Genome position (GRCh38, 1-based): chr6:98,835,089, G>T. VCF-style: chr6-98835089-G-T. GRCh37 (hg19) VCF-style: chr6-99282965-G-T.
Identifiers: ClinVar variation 4874589 (VCV004874589.2).